The following is an entry in ClinVar:

ClinVar aggregate classification (germline): Likely benign (0 of 4 stars; one submission).

Conditions:
NXN-related disorder. Also called: NXN-related condition.

Allele frequency attached by ClinVar (database versions not stated): gnomAD 0.00001; ExAC 0.00002; gnomAD exomes 0.00002; TOPMed 0.00002.
gnomAD v4.1: 20 of 1,458,624 alleles (0.0014%); highest among the groups gnomAD compares: South Asian, 0.0044%; no homozygotes.

Submission:

PreventionGenetics, part of Exact Sciences
Classification: Likely benign for NXN-related condition. Last evaluated: 2019-06-27. Review status: no assertion criteria provided. Collection method: clinical testing. Allele origin: germline.
Comment: This variant is classified as likely benign based on ACMG/AMP sequence variant interpretation guidelines (Richards et al. 2015 PMID: 25741868, with internal and published modifications).

NM_022463.5(NXN):c.*2G>A

Gene: NXN (nucleoredoxin; minus strand). Cytogenetic location: 17p13.3.
Variant type: single nucleotide variant.
Coding change: c.*2G>A on transcript NM_022463.5 (MANE Select); 2 bases downstream of the stop codon, G replaced by A.
Molecular consequence: 3 prime UTR variant.
Genome position (GRCh38, 1-based): chr17:800,947, C>T on the plus strand (G>A on the coding strand, the complement: NXN is on the minus strand). VCF-style: chr17-800947-C-T. GRCh37 (hg19) VCF-style: chr17-704187-C-T.
Other names: c.*2G>A (NM_001205319.1).
Identifiers: ClinVar variation 3042592 (VCV003042592.2), dbSNP rs779050017, ClinGen allele CA8263897.